The following is an entry in ClinVar:

ClinVar aggregate classification (germline): Uncertain significance. Review status: criteria provided, multiple submitters, no conflicts (2 of 4 stars). 2 submissions from 2 submitters: Uncertain significance (2). Last evaluated 2026-01-15.

Conditions:
Hereditary cancer-predisposing syndrome. Also called: Hereditary Cancer Syndrome; Tumor predisposition; Neoplastic Syndromes, Hereditary; Hereditary neoplastic syndrome. Identifiers: Orphanet 140162, MedGen C0027672, MeSH D009386, MONDO:0015356.
Familial cancer of breast. Also called: Hereditary breast cancer; BREAST CANCER, FAMILIAL; hereditary breast carcinoma. Identifiers: Orphanet 227535, MedGen C0346153, MONDO:0016419, OMIM 114480. Disease mechanism: loss of function.
Fanconi anemia complementation group J. Also called: BRIP1-Related Fanconi Anemia. Identifiers: Orphanet 84, MedGen C1836860, MONDO:0012187, OMIM 609054.

Allele frequency attached by ClinVar (database versions not stated): gnomAD 0.00001.
gnomAD v4.1: 2 of 1,613,624 alleles (0.00012%); highest among the groups gnomAD compares: Non-Finnish European, 0.000085%; no homozygotes.

Submissions (2):

Ambry Genetics
Classification: Uncertain significance for Hereditary cancer-predisposing syndrome. Last evaluated: 2026-01-15. Review status: criteria provided, single submitter. Criteria: Ambry Variant Classification Scheme 2023. Collection method: clinical testing. Allele origin: germline.
Comment: The p.N428S variant (also known as c.1283A>G), located in coding exon 8 of the BRIP1 gene, results from an A to G substitution at nucleotide position 1283. The asparagine at codon 428 is replaced by serine, an amino acid with highly similar properties. This amino acid position is conserved. In addition, this alteration is predicted to be tolerated by in silico analysis. Based on the available evidence, the clinical significance of this variant remains unclear.

Labcorp Genetics (formerly Invitae), Labcorp
Classification: Uncertain significance for Familial cancer of breast; Fanconi anemia complementation group J. Last evaluated: 2025-04-09. Review status: criteria provided, single submitter. Criteria: Invitae Variant Classification Sherloc (09022015). Collection method: clinical testing. Allele origin: germline.
Comment: This sequence change replaces asparagine, which is neutral and polar, with serine, which is neutral and polar, at codon 428 of the BRIP1 protein (p.Asn428Ser). This variant is not present in population databases (gnomAD no frequency). This variant has not been reported in the literature in individuals affected with BRIP1-related conditions. ClinVar contains an entry for this variant (Variation ID: 843550). Invitae Evidence Modeling of protein sequence and biophysical properties (such as structural, functional, and spatial information, amino acid conservation, physicochemical variation, residue mobility, and thermodynamic stability) indicates that this missense variant is not expected to disrupt BRIP1 protein function with a negative predictive value of 95%. In summary, the available evidence is currently insufficient to determine the role of this variant in disease. Therefore, it has been classified as a Variant of Uncertain Significance.

NM_032043.3(BRIP1):c.1283A>G (p.Asn428Ser)

Gene: BRIP1 (BRCA1 interacting DNA helicase 1; minus strand). Cytogenetic location: 17q23.2.
Variant type: single nucleotide variant.
Coding change: c.1283A>G on transcript NM_032043.3 (MANE Select); coding-DNA position 1283, A replaced by G.
Protein change: p.Asn428Ser; replaces asparagine 428 with serine.
Molecular consequence: missense variant.
Genome position (GRCh38, 1-based): chr17:61,799,157, T>C on the plus strand (A>G on the coding strand, the complement: BRIP1 is on the minus strand). VCF-style: chr17-61799157-T-C. GRCh37 (hg19) VCF-style: chr17-59876518-T-C.
Other names: short protein forms N428S.
Identifiers: ClinVar variation 843550 (VCV000843550.11), dbSNP rs779237423, ClinGen allele CA400483530.
Genomic context (GRCh38, chr17:61,799,157, plus strand): 5'-TACTTAATGAGGCTACAGCACACAGCTCGTAGGGGTTCATGATCTTTCTTCCTTATATTA[T>C]TGTTGACCATACTATCTAGTTCATCCCGAGCAAACCGAAGCTGAACTTCTGTTACACTGT-3'
Protein context (NP_114432.2, residues 418-438): ARDELDSMVN[Asn428Ser]NIRKKDHEPL